The following is an entry in ClinVar:

ClinVar aggregate classification (germline): Likely benign. Review status: criteria provided, multiple submitters, no conflicts (2 of 4 stars). 3 submissions from 3 submitters: Likely benign (2). 1 of the submissions does not count toward it. Last evaluated 2026-05-21.

Conditions:
Familial thoracic aortic aneurysm and aortic dissection (TAAD). Also called: Thoracic aortic aneurysms and dissections. Identifiers: Orphanet 91387, MedGen C4707243, MONDO:0019625.
Ehlers-Danlos syndrome, classic type, 1 (EDSCL1). Also called: EHLERS-DANLOS SYNDROME, GRAVIS TYPE; EHLERS-DANLOS SYNDROME, SEVERE CLASSIC TYPE; Ehlers-Danlos syndrome, type 1; Ehlers-Danlos Syndrome, Classic Type, COL5A1-Related; EDS I. Identifiers: MedGen C0268335, MONDO:0019567, OMIM 130000.
COL5A2-related disorder. Also called: COL5A2-related condition.

Submissions (3):

Ambry Genetics
Classification: Likely benign for Familial thoracic aortic aneurysm and aortic dissection. Last evaluated: 2026-05-21. Review status: criteria provided, single submitter. Criteria: Ambry Variant Classification Scheme 2023. Collection method: clinical testing. Allele origin: germline.

Labcorp Genetics (formerly Invitae), Labcorp
Classification: Likely benign for Ehlers-Danlos syndrome, classic type, 1. Last evaluated: 2025-03-21. Review status: criteria provided, single submitter. Criteria: Invitae Variant Classification Sherloc (09022015). Collection method: clinical testing. Allele origin: germline.

PreventionGenetics, part of Exact Sciences
Classification: Likely benign for COL5A2-related condition. Last evaluated: 2024-07-11. Review status: no assertion criteria provided. Collection method: clinical testing. Allele origin: germline. Not counted in ClinVar's aggregate classification.
Comment: This variant is classified as likely benign based on ACMG/AMP sequence variant interpretation guidelines (Richards et al. 2015 PMID: 25741868, with internal and published modifications).

NM_000393.5(COL5A2):c.2331T>G (p.Gly777=)

Gene: COL5A2 (collagen type V alpha 2 chain; minus strand). Cytogenetic location: 2q32.2.
Variant type: single nucleotide variant.
Coding change: c.2331T>G on transcript NM_000393.5 (MANE Select); coding-DNA position 2331, T replaced by G.
Protein change: p.Gly777=; no amino-acid change (glycine 777 retained).
Molecular consequence: synonymous variant.
Genome position (GRCh38, 1-based): chr2:189,057,326, A>C on the plus strand (T>G on the coding strand, the complement: COL5A2 is on the minus strand). VCF-style: chr2-189057326-A-C. GRCh37 (hg19) VCF-style: chr2-189922052-A-C.
Other names: c.2331T>G (NM_000393.3).
Identifiers: ClinVar variation 3349026 (VCV003349026.3).
Genomic context (GRCh38, chr2:189,057,326, plus strand): 5'-GCAGAAAGTCTGAATAAATGAACTGAAAAAAAAAAAAAAAAAAAAAGGACTTACTCTGTC[A>C]CCCTTGGGGCCAGGAGTTCCTGCAATTCCTCTTTCTCCCGGCATACCTTGAAGACCTGGT-3'
Protein context (NP_000384.2, residues 767-787): RGIAGTPGPK[Gly777=]DRGGIGEKGA